The following is an entry in ClinVar:

NM_000098.3(CPT2):c.163C>T (p.Pro55Ser)

Gene: CPT2 (carnitine palmitoyltransferase 2; plus strand). Cytogenetic location: 1p32.3.
Variant type: single nucleotide variant.
Coding change: c.163C>T on transcript NM_000098.3 (MANE Select); coding-DNA position 163, C replaced by T.
Protein change: p.Pro55Ser; replaces proline 55 with serine.
Molecular consequence: missense variant.
Genome position (GRCh38, 1-based): chr1:53,200,729, C>T. VCF-style: chr1-53200729-C-T. GRCh37 (hg19) VCF-style: chr1-53666401-C-T.
Other names: c.163C>T, p.Pro55Ser (NM_001330589.2); short protein forms P55S.
Identifiers: ClinVar variation 2776660 (VCV002776660.3), dbSNP rs2525566753, ClinGen allele CA340389035.
Genomic context (GRCh38, chr1:53,200,729, plus strand): 5'-AACCTCTTCCATATACTGTCAGCCTTACACTGACCCTGCTTTCTCCCCAGGCTGCCTATT[C>T]CCAAACTTGAAGACACCATTAGGAGATACCTCAGTGCACAGAAGCCTCTCTTGAATGATG-3'
Protein context (NP_000089.1, residues 45-65): YQDSLPRLPI[Pro55Ser]KLEDTIRRYL

ClinVar aggregate classification (germline): Uncertain significance (1 of 4 stars; one submission).

Conditions:
Carnitine palmitoyltransferase II deficiency. Also called: Carnitine Palmitoyltransferase 2 Deficiency. Identifiers: Orphanet 157, MedGen C0342790, MONDO:0015515.

Submission:

Labcorp Genetics (formerly Invitae), Labcorp
Classification: Uncertain significance for Carnitine palmitoyltransferase II deficiency. Last evaluated: 2023-10-10. Review status: criteria provided, single submitter. Criteria: Invitae Variant Classification Sherloc (09022015). Collection method: clinical testing. Allele origin: germline.
Comment: This sequence change replaces proline, which is neutral and non-polar, with serine, which is neutral and polar, at codon 55 of the CPT2 protein (p.Pro55Ser). This variant is not present in population databases (gnomAD no frequency). This variant has not been reported in the literature in individuals affected with CPT2-related conditions. Advanced modeling of protein sequence and biophysical properties (such as structural, functional, and spatial information, amino acid conservation, physicochemical variation, residue mobility, and thermodynamic stability) performed at Invitae indicates that this missense variant is expected to disrupt CPT2 protein function. In summary, the available evidence is currently insufficient to determine the role of this variant in disease. Therefore, it has been classified as a Variant of Uncertain Significance.